The following is an entry in ClinVar:

ClinVar aggregate classification (germline): Likely benign (1 of 4 stars; one submission).

Conditions:
GLB1-related disorder. Also called: GLB1-related disorders. Identifiers: MedGen CN377807.

gnomAD v4.1: 30 of 1,612,464 alleles (0.0019%); highest among the groups gnomAD compares: Middle Eastern, 0.033%; no homozygotes.

Submission:

PreventionGenetics, part of Exact Sciences
Classification: Likely benign for GLB1-related condition. Last evaluated: 2026-07-27. Review status: criteria provided, single submitter. Criteria: ACMG Guidelines, 2015. Collection method: clinical testing. Allele origin: germline.
Comment: This variant is classified as likely benign based on ACMG/AMP sequence variant interpretation guidelines (Richards et al. 2015 PMID: 25741868, with internal and published modifications).

NM_000404.4(GLB1):c.8G>T (p.Gly3Val)

Genes: GLB1 (galactosidase beta 1; minus strand), TMPPE (transmembrane protein with metallophosphoesterase domain; minus strand), LOC129936434 (ATAC-STARR-seq lymphoblastoid silent region 14182; plus strand). Cytogenetic location: 3p22.3.
Variant type: single nucleotide variant.
Coding change: c.8G>T on transcript NM_000404.4 (MANE Select); coding-DNA position 8, G replaced by T.
Protein change: p.Gly3Val; replaces glycine 3 with valine.
Molecular consequence: missense variant. On other transcripts: 5 prime UTR variant (2).
Genome position (GRCh38, 1-based): chr3:33,097,078, C>A on the plus strand (G>T on the coding strand, the complement: GLB1 is on the minus strand). VCF-style: chr3-33097078-C-A. GRCh37 (hg19) VCF-style: chr3-33138570-C-A.
Other names: c.8G>T, p.Gly3Val (NM_001135602.3, NM_001317040.2, NM_001393580.1); c.-468G>T (NM_001039770.3); c.-364G>T (NM_001136238.2); short protein forms G3V.
Identifiers: ClinVar variation 4980070 (VCV004980070.1).